The following is an entry in ClinVar:

ClinVar aggregate classification (germline): Benign/Likely benign. Review status: criteria provided, multiple submitters, no conflicts (2 of 4 stars). 8 submissions from 8 submitters: Benign (5); Likely benign (1). 2 of the submissions do not count toward it. Last evaluated 2026-02-03.

Conditions:
Emery-Dreifuss muscular dystrophy 1, X-linked (EDMD1). Also called: Muscular dystrophy, tardive, Dreifuss-Emery type, with contractures; SCAPULOPERONEAL SYNDROME, X-LINKED; HUMEROPERONEAL NEUROMUSCULAR DISEASE; EMD-Related Emery-Dreifuss Muscular Dystrophy, X-Linked. Identifiers: MedGen CN375556, MONDO:0100531, OMIM 310300.
X-linked Emery-Dreifuss muscular dystrophy. Also called: Muscular dystrophy, tardive Emery-Dreifuss type, with contractures. Identifiers: Orphanet 261, Orphanet 98863, MedGen C0751337, MONDO:0010680.

Allele frequency attached by ClinVar (database versions not stated): ESP Exome Variant Server 0.00228; TOPMed 0.00282; gnomAD 0.00292; 1000 Genomes Project 0.00344; 1000 Genomes Project 30x 0.00375.

Submissions (8):

Labcorp Genetics (formerly Invitae), Labcorp
Classification: Benign for X-linked Emery-Dreifuss muscular dystrophy. Last evaluated: 2026-02-03. Review status: criteria provided, single submitter. Criteria: Invitae Variant Classification Sherloc (09022015). Collection method: clinical testing. Allele origin: germline.

ARUP Laboratories, Molecular Genetics and Genomics, ARUP Laboratories
Classification: Benign for Emery-Dreifuss muscular dystrophy 1, X-linked. Last evaluated: 2025-04-08. Review status: criteria provided, single submitter. Criteria: ARUP Molecular Germline Variant Investigation Process 2024. Collection method: clinical testing. Allele origin: germline.

Blueprint Genetics
Classification: Likely benign. Last evaluated: 2024-11-06. Review status: criteria provided, single submitter. Criteria: ACMG Guidelines, 2015. Collection method: clinical testing. Allele origin: germline.

Women's Health and Genetics/Laboratory Corporation of America, LabCorp
Classification: Benign. Last evaluated: 2020-01-13. Review status: criteria provided, single submitter. Criteria: LabCorp Variant Classification Summary - May 2015. Collection method: clinical testing. Allele origin: germline.
Comment: Variant summary: EMD c.83-13C>G alters a non-conserved nucleotide located close to a canonical splice site and therefore could affect mRNA splicing, leading to a significantly altered protein sequence. 5/5 computational tools predict no significant impact on normal splicing. However, these predictions have yet to be confirmed by functional studies. The variant allele was found at a frequency of 0.001 in 192415 control chromosomes, predominantly at a frequency of 0.01 within the African or African-American subpopulation in the gnomAD database, including 1 homozygote. The observed variant frequency within African or African-American control individuals in the gnomAD database is approximately 1.41 fold of the estimated maximal expected allele frequency for a pathogenic variant in EMD causing Cardiomyopathy phenotype (0.0071), strongly suggesting that the variant is a benign polymorphism found primarily in populations of African or African-American origin. c.83-13C>G has been reported in the literature in an individual affected with Dilated Cardiomyopathy (DCM). This report however, does not provide unequivocal conclusions about association of the variant with Cardiomyopathy. To our knowledge, no experimental evidence demonstrating an impact on protein function has been reported. One ClinVar submitter (evaluation after 2014) cite the variant as benign. Based on the evidence outlined above, the variant was classified as benign.

Laboratory for Molecular Medicine, Mass General Brigham Personalized Medicine
Classification: Benign. Last evaluated: 2015-08-21. Review status: criteria provided, single submitter. Criteria: LMM Criteria. Collection method: clinical testing. Allele origin: germline. Observed: 10 variant alleles.
Comment: c.83-13C>G in intron 1 of EMD: This variant is not expected to have clinical sig nificance because it has been identified in 1% (63/5981) of African chromosomes by the Exome Aggregation Consortium (ExAC; dbSNP rs201140396).

GeneDx
Classification: Benign. Last evaluated: 2015-03-03. Review status: criteria provided, single submitter. Criteria: GeneDx Variant Classification Process June 2021. Collection method: clinical testing. Allele origin: germline. Affected: yes.

Clinical Genetics DNA and cytogenetics Diagnostics Lab, Erasmus MC, Erasmus Medical Center
Classification: Benign. Review status: no assertion criteria provided. Collection method: clinical testing. Allele origin: germline. Affected: yes. Study: VKGL Data-share Consensus. Not counted in ClinVar's aggregate classification.

Clinical Genetics, Academic Medical Center
Classification: Benign. Review status: no assertion criteria provided. Collection method: clinical testing. Allele origin: germline. Affected: yes. Study: VKGL Data-share Consensus. Not counted in ClinVar's aggregate classification.

Literature cited by the submitters: PubMed 24503780 (cited by Women's Health and Genetics/Laboratory Corporation of America, LabCorp).

NM_000117.3(EMD):c.83-13C>G

Gene: EMD (emerin; plus strand). Cytogenetic location: Xq28.
Variant type: single nucleotide variant.
Coding change: c.83-13C>G on transcript NM_000117.3 (MANE Select); 13 bases into the intron before coding-DNA position 83, C replaced by G.
Molecular consequence: intron variant.
Genome position (GRCh38, 1-based): chrX:154,379,677, C>G. VCF-style: chrX-154379677-C-G. GRCh37 (hg19) VCF-style: chrX-153608037-C-G.
Identifiers: ClinVar variation 42279 (VCV000042279.19), dbSNP rs201140396, ClinGen allele CA131139.